The following is an entry in ClinVar:

NM_001352514.2(HLCS):c.567G>T (p.Glu189Asp)

Gene: HLCS (holocarboxylase synthetase; minus strand). Cytogenetic location: 21q22.13.
Variant type: single nucleotide variant.
Coding change: c.567G>T on transcript NM_001352514.2 (MANE Select); coding-DNA position 567, G replaced by T.
Protein change: p.Glu189Asp; replaces glutamic acid 189 with aspartic acid.
Molecular consequence: missense variant. On other transcripts: non-coding transcript variant (2).
Genome position (GRCh38, 1-based): chr21:36,937,319, C>A on the plus strand (G>T on the coding strand, the complement: HLCS is on the minus strand). VCF-style: chr21-36937319-C-A. GRCh37 (hg19) VCF-style: chr21-38309619-C-A.
Other names: p.E42D:GAG>GAT; c.126G>T, p.Glu42Asp (NM_000411.8, NM_001242784.3, NM_001242785.2 and 4 more transcripts); short protein forms E42D, E189D.
Identifiers: ClinVar variation 137548 (VCV000137548.19), dbSNP rs61732504, ClinGen allele CA291176.

ClinVar aggregate classification (germline): Benign/Likely benign. Review status: criteria provided, multiple submitters, no conflicts (2 of 4 stars). 9 submissions from 9 submitters: Benign (4); Likely benign (2). 3 of the submissions do not count toward it. Last evaluated 2026-02-02.

Conditions:
Holocarboxylase synthetase deficiency. Also called: MULTIPLE CARBOXYLASE DEFICIENCY, EARLY ONSET. Identifiers: Orphanet 79242, MedGen C0268581, MONDO:0009666, OMIM 253270.

Allele frequency attached by ClinVar (database versions not stated): ESP Exome Variant Server 0.03860; gnomAD 0.03941; 1000 Genomes Project 30x 0.05715; 1000 Genomes Project 0.05771.
gnomAD v4.1: 22,836 of 1,614,022 alleles (1.4%); highest among the groups gnomAD compares: African/African-American, 11%; 637 homozygotes.

Submissions (9):

Labcorp Genetics (formerly Invitae), Labcorp
Classification: Benign for Holocarboxylase synthetase deficiency. Last evaluated: 2026-02-02. Review status: criteria provided, single submitter. Criteria: Invitae Variant Classification Sherloc (09022015). Collection method: clinical testing. Allele origin: germline.

Women's Health and Genetics/Laboratory Corporation of America, LabCorp
Classification: Likely benign. Last evaluated: 2021-12-10. Review status: criteria provided, single submitter. Criteria: LabCorp Variant Classification Summary - May 2015. Collection method: clinical testing. Allele origin: germline.

Illumina Laboratory Services, Illumina
Classification: Benign for Holocarboxylase synthetase deficiency. Last evaluated: 2018-03-06. Review status: criteria provided, single submitter. Criteria: ICSL Variant Classification Criteria 13 December 2019. Collection method: clinical testing. Allele origin: germline.
Comment: This variant was observed in the ICSL laboratory as part of a predisposition screen in an ostensibly healthy population. It had not been previously curated by ICSL or reported in the Human Gene Mutation Database (HGMD: prior to June 1st, 2018), and was therefore a candidate for classification through an automated scoring system. Utilizing variant allele frequency, disease prevalence and penetrance estimates, and inheritance mode, an automated score was calculated to assess if this variant is too frequent to cause the disease. Based on the score and internal cut-off values, a variant classified as benign is not then subjected to further curation. The score for this variant resulted in a classification of benign for this disease.

GeneDx
Classification: Benign. Last evaluated: 2013-11-19. Review status: criteria provided, single submitter. Criteria: GeneDx Variant Classification (06012015). Collection method: clinical testing. Allele origin: germline. Affected: yes.
Comment: This variant is considered likely benign or benign based on one or more of the following criteria: it is a conservative change, it occurs at a poorly conserved position in the protein, it is predicted to be benign by multiple in silico algorithms, and/or has population frequency not consistent with disease.

Breakthrough Genomics
Classification: Likely benign. Review status: criteria provided, single submitter. Criteria: ACMG Guidelines, 2015. Collection method: not provided. Allele origin: germline. Inheritance: Autosomal recessive inheritance. Affected: yes.

PreventionGenetics, part of Exact Sciences
Classification: Benign. Review status: criteria provided, single submitter. Criteria: ACMG Guidelines, 2015. Collection method: clinical testing. Allele origin: germline.

Natera, Inc.
Classification: Benign for Holocarboxylase synthetase deficiency. Last evaluated: 2020-09-16. Review status: no assertion criteria provided. Collection method: clinical testing. Allele origin: germline. Not counted in ClinVar's aggregate classification.

Clinical Genetics, Academic Medical Center
Classification: Benign. Review status: no assertion criteria provided. Collection method: clinical testing. Allele origin: germline. Affected: yes. Study: VKGL Data-share Consensus. Not counted in ClinVar's aggregate classification.

Laboratory of Diagnostic Genome Analysis, Leiden University Medical Center (LUMC)
Classification: Likely benign. Review status: no assertion criteria provided. Collection method: clinical testing. Allele origin: germline. Affected: yes. Study: VKGL Data-share Consensus. Not counted in ClinVar's aggregate classification.